The following is an entry in ClinVar:

ClinVar aggregate classification (germline): Likely benign (1 of 4 stars; one submission).

Allele frequency attached by ClinVar (database versions not stated): 1000 Genomes Project 0.00220; 1000 Genomes Project 30x 0.00234; ExAC 0.00311; gnomAD 0.00334; gnomAD exomes 0.00380; TOPMed 0.00394; ESP Exome Variant Server 0.00431.
gnomAD v4.1: 6,047 of 1,591,560 alleles (0.38%); highest among the groups gnomAD compares: Middle Eastern, 2.5%; 19 homozygotes.

Submission:

CeGaT Center for Human Genetics Tuebingen
Classification: Likely benign. Last evaluated: 2023-04-01. Review status: criteria provided, single submitter. Criteria: CeGaT Center For Human Genetics Tuebingen Variant Classification Criteria Version 2. Collection method: clinical testing. Allele origin: germline. Affected: yes. Observed: 2 variant alleles.
Comment: SORT1: BS2

NM_002959.7(SORT1):c.370A>G (p.Ile124Val)

Gene: SORT1 (sortilin 1; minus strand). Cytogenetic location: 1p13.3.
Variant type: single nucleotide variant.
Coding change: c.370A>G on transcript NM_002959.7 (MANE Select); coding-DNA position 370, A replaced by G.
Protein change: p.Ile124Val; replaces isoleucine 124 with valine.
Molecular consequence: missense variant. On other transcripts: 5 prime UTR variant (1).
Genome position (GRCh38, 1-based): chr1:109,367,478, T>C on the plus strand (A>G on the coding strand, the complement: SORT1 is on the minus strand). VCF-style: chr1-109367478-T-C. GRCh37 (hg19) VCF-style: chr1-109910100-T-C.
Other names: c.-39A>G (NM_001205228.2); short protein forms I124V.
Identifiers: ClinVar variation 2638981 (VCV002638981.24), dbSNP rs61797119, ClinGen allele CA990172.